The following is an entry in ClinVar:

NM_001033855.3(DCLRE1C):c.699C>A (p.Asp233Glu)

Gene: DCLRE1C (DNA cross-link repair 1C; minus strand). Cytogenetic location: 10p13.
Variant type: single nucleotide variant.
Coding change: c.699C>A on transcript NM_001033855.3 (MANE Select); coding-DNA position 699, C replaced by A.
Protein change: p.Asp233Glu; replaces aspartic acid 233 with glutamic acid.
Molecular consequence: missense variant. On other transcripts: non-coding transcript variant (4).
Genome position (GRCh38, 1-based): chr10:14,932,935, G>T on the plus strand (C>A on the coding strand, the complement: DCLRE1C is on the minus strand). VCF-style: chr10-14932935-G-T. GRCh37 (hg19) VCF-style: chr10-14974934-G-T.
Other names: c.339C>A, p.Asp113Glu (NM_001033857.3, NM_001033858.3, NM_001289077.2 and 2 more transcripts); c.354C>A, p.Asp118Glu (NM_001289076.2, NM_001289078.2, NM_001350966.2 and 1 more transcripts); c.699C>A, p.Asp233Glu (NM_001350965.2); short protein forms D113E, D118E, D233E.
Identifiers: ClinVar variation 1034960 (VCV001034960.6), dbSNP rs1163772028, ClinGen allele CA376058492.

ClinVar aggregate classification (germline): Uncertain significance (1 of 4 stars; one submission).

Conditions:
Severe combined immunodeficiency due to DCLRE1C deficiency (RS-SCID). Also called: SCID, AUTOSOMAL RECESSIVE, T CELL-NEGATIVE, B CELL-NEGATIVE, NK CELL-POSITIVE, WITH SENSITIVITY TO IONIZING RADIATION. Identifiers: Orphanet 275, MedGen C1865371, MONDO:0011225, OMIM 602450.

Allele frequency attached by ClinVar (database versions not stated): gnomAD exomes 0.00001; TOPMed below 0.00001.
gnomAD v4.1: 9 of 1,614,042 alleles (0.00056%); highest among the groups gnomAD compares: South Asian, 0.0099%; no homozygotes.

Submission:

Labcorp Genetics (formerly Invitae), Labcorp
Classification: Uncertain significance for Athabaskan severe combined immunodeficiency. Last evaluated: 2021-08-27. Review status: criteria provided, single submitter. Criteria: Invitae Variant Classification Sherloc (09022015). Collection method: clinical testing. Allele origin: germline.
Comment: This sequence change replaces aspartic acid with glutamic acid at codon 233 of the DCLRE1C protein (p.Asp233Glu). The aspartic acid residue is moderately conserved and there is a small physicochemical difference between aspartic acid and glutamic acid. This variant is not present in population databases (ExAC no frequency). This variant has not been reported in the literature in individuals affected with DCLRE1C-related conditions. Algorithms developed to predict the effect of missense changes on protein structure and function (SIFT, PolyPhen-2, Align-GVGD) all suggest that this variant is likely to be tolerated. In summary, the available evidence is currently insufficient to determine the role of this variant in disease. Therefore, it has been classified as a Variant of Uncertain Significance.